The following is an entry in ClinVar:

ClinVar aggregate classification (germline): Uncertain significance (1 of 4 stars; one submission).

Conditions:
Saldino-Mainzer syndrome (SRTD9). Also called: CONORENAL SYNDROME; Renal dysplasia, retinal pigmentary dystrophy, cerebellar ataxia and skeletal dysplasia; SHORT-RIB THORACIC DYSPLASIA 9 WITHOUT POLYDACTYLY; short-rib thoracic dysplasia 9 with or without polydactyly. Identifiers: Orphanet 140969, MedGen C1849437, MONDO:0009964, OMIM 266920.

gnomAD v4.1: 5 of 1,610,484 alleles (0.00031%); highest among the groups gnomAD compares: Non-Finnish European, 0.00034%; no homozygotes.

Submission:

Labcorp Genetics (formerly Invitae), Labcorp
Classification: Uncertain significance for Saldino-Mainzer syndrome. Last evaluated: 2021-08-12. Review status: criteria provided, single submitter. Criteria: Invitae Variant Classification Sherloc (09022015). Collection method: clinical testing. Allele origin: germline.
Comment: In summary, the available evidence is currently insufficient to determine the role of this variant in disease. Therefore, it has been classified as a Variant of Uncertain Significance. Algorithms developed to predict the effect of missense changes on protein structure and function (SIFT, PolyPhen-2, Align-GVGD) all suggest that this variant is likely to be tolerated. This variant has not been reported in the literature in individuals affected with IFT140-related conditions. This variant is not present in population databases (ExAC no frequency). This sequence change replaces serine with threonine at codon 580 of the IFT140 protein (p.Ser580Thr). The serine residue is moderately conserved and there is a small physicochemical difference between serine and threonine.

NM_014714.4(IFT140):c.1739G>C (p.Ser580Thr)

Gene: IFT140 (intraflagellar transport 140; minus strand). Cytogenetic location: 16p13.3.
Variant type: single nucleotide variant.
Coding change: c.1739G>C on transcript NM_014714.4 (MANE Select); coding-DNA position 1739, G replaced by C.
Protein change: p.Ser580Thr; replaces serine 580 with threonine.
Molecular consequence: missense variant.
Genome position (GRCh38, 1-based): chr16:1,568,248, C>G on the plus strand (G>C on the coding strand, the complement: IFT140 is on the minus strand). VCF-style: chr16-1568248-C-G. GRCh37 (hg19) VCF-style: chr16-1618249-C-G.
Other names: short protein forms S580T.
Identifiers: ClinVar variation 1374396 (VCV001374396.6), dbSNP rs1019259823, ClinGen allele CA394207156.